The following is an entry in ClinVar:

NM_001372078.1(REV3L):c.6344T>G (p.Ile2115Ser)

Gene: REV3L (REV3 like, DNA directed polymerase zeta catalytic subunit; minus strand). Cytogenetic location: 6q21.
Variant type: single nucleotide variant.
Coding change: c.6344T>G on transcript NM_001372078.1 (MANE Select); coding-DNA position 6344, T replaced by G.
Protein change: p.Ile2115Ser; replaces isoleucine 2115 with serine.
Molecular consequence: missense variant.
Genome position (GRCh38, 1-based): chr6:111,367,444, A>C on the plus strand (T>G on the coding strand, the complement: REV3L is on the minus strand). VCF-style: chr6-111367444-A-C. GRCh37 (hg19) VCF-style: chr6-111688647-A-C.
Other names: c.6110T>G, p.Ile2037Ser (NM_001286431.2, NM_001286432.2); c.6344T>G, p.Ile2115Ser (NM_002912.5); short protein forms I2037S, I2115S.
Identifiers: ClinVar variation 2298947 (VCV002298947.21), dbSNP rs56108230, ClinGen allele CA3961716.

ClinVar aggregate classification (germline): Conflicting classifications of pathogenicity. Review status: criteria provided, conflicting classifications (1 of 4 stars). 2 submissions from 2 submitters: Uncertain significance (1); Benign (1). Last evaluated 2025-11-12.

Conditions:
Inborn genetic diseases. Identifiers: MedGen C0950123, MeSH D030342.

Allele frequency attached by ClinVar (database versions not stated): gnomAD exomes 0.00013; ExAC 0.00037; 1000 Genomes Project 30x 0.00047; 1000 Genomes Project 0.00060; TOPMed 0.00136; gnomAD 0.00147; ESP Exome Variant Server 0.00154.
gnomAD v4.1: 408 of 1,610,450 alleles (0.025%); highest among the groups gnomAD compares: African/African-American, 0.48%; no homozygotes.

Submissions (2):

Ambry Genetics
Classification: Uncertain significance for Inborn genetic diseases. Last evaluated: 2025-11-12. Review status: criteria provided, single submitter. Criteria: Ambry Variant Classification Scheme 2023. Collection method: clinical testing. Allele origin: germline.

CeGaT Center for Human Genetics Tuebingen
Classification: Benign. Last evaluated: 2024-05-01. Review status: criteria provided, single submitter. Criteria: CeGaT Center For Human Genetics Tuebingen Variant Classification Criteria Version 2. Collection method: clinical testing. Allele origin: germline. Affected: yes. Observed: 1 variant allele.
Comment: REV3L: BP4, BS1, BS2